The following is an entry in ClinVar:

ClinVar aggregate classification (germline): Likely benign (1 of 4 stars; one submission).

Allele frequency attached by ClinVar (database versions not stated): 1000 Genomes Project 0.00180; 1000 Genomes Project 30x 0.00203; gnomAD 0.00342; TOPMed 0.00350; ExAC 0.00356; ESP Exome Variant Server 0.00438; gnomAD exomes 0.00532.
gnomAD v4.1: 8,109 of 1,602,896 alleles (0.51%); highest among the groups gnomAD compares: Non-Finnish European, 0.63%; 41 homozygotes.

Submission:

CeGaT Center for Human Genetics Tuebingen
Classification: Likely benign. Last evaluated: 2024-01-01. Review status: criteria provided, single submitter. Criteria: CeGaT Center For Human Genetics Tuebingen Variant Classification Criteria Version 2. Collection method: clinical testing. Allele origin: germline. Affected: yes. Observed: 1 variant allele.
Comment: TMEM255B: BP4, BS2

NM_182614.4(TMEM255B):c.698C>T (p.Pro233Leu)

Gene: TMEM255B (transmembrane protein 255B; plus strand). Cytogenetic location: 13q34.
Variant type: single nucleotide variant.
Coding change: c.698C>T on transcript NM_182614.4 (MANE Select); coding-DNA position 698, C replaced by T.
Protein change: p.Pro233Leu; replaces proline 233 with leucine.
Molecular consequence: missense variant. On other transcripts: intron variant (1).
Genome position (GRCh38, 1-based): chr13:113,804,913, C>T. VCF-style: chr13-113804913-C-T. GRCh37 (hg19) VCF-style: chr13-114507886-C-T.
Other names: c.669+3101C>T (NM_001348663.2); short protein forms P233L.
Identifiers: ClinVar variation 3025042 (VCV003025042.22), dbSNP rs139045071, ClinGen allele CA7066994.